The following is an entry in ClinVar:

ClinVar aggregate classification (germline): Likely benign. Review status: criteria provided, multiple submitters, no conflicts (2 of 4 stars). 3 submissions from 3 submitters: Likely benign (3). Last evaluated 2023-12-18.

Conditions:
Familial thoracic aortic aneurysm and aortic dissection (TAAD). Also called: Thoracic aortic aneurysms and dissections. Identifiers: Orphanet 91387, MedGen C4707243, MONDO:0019625.
Ehlers-Danlos syndrome, type 4 (EDSVASC). Also called: Ehlers-Danlos syndrome vascular type; Ehlers Danlos syndrome, ecchymotic type; Ehlers Danlos syndrome, arterial type; Ehlers Danlos syndrome, Sack-Barabas type; Ehlers-Danlos Syndrome Type IV. Identifiers: Orphanet 286, MedGen C0268338, MONDO:0017314, OMIM 130050.

Allele frequency attached by ClinVar (database versions not stated): gnomAD exomes below 0.00001; ExAC 0.00001.
gnomAD v4.1: 1 of 1,612,848 alleles (0.000062%); highest among the groups gnomAD compares: Admixed American, 0.0017%; no homozygotes.

Submissions (3):

All of Us Research Program, National Institutes of Health
Classification: Likely benign for Ehlers-Danlos syndrome, type 4. Last evaluated: 2023-12-18. Review status: criteria provided, single submitter. Criteria: ACMG Guidelines, 2015. Collection method: clinical testing. Allele origin: germline. Inheritance: Autosomal dominant inheritance. Observed: 2 variant alleles, 2 heterozygotes.
Comment: This study involves interpretation of variants in research participants for the purpose of population health screening. Participant phenotype was not available at the time of variant classification. Additional details can be found in publication PMID: 35346344, PMCID: PMC8962531

Color Diagnostics, LLC DBA Color Health
Classification: Likely benign for Familial thoracic aortic aneurysm and aortic dissection. Last evaluated: 2023-03-28. Review status: criteria provided, single submitter. Criteria: ACMG Guidelines, 2015. Collection method: clinical testing. Allele origin: germline.

Labcorp Genetics (formerly Invitae), Labcorp
Classification: Likely benign for Ehlers-Danlos syndrome, type 4. Last evaluated: 2023-02-08. Review status: criteria provided, single submitter. Criteria: Invitae Variant Classification Sherloc (09022015). Collection method: clinical testing. Allele origin: germline.

NM_000090.4(COL3A1):c.691-15T>C

Gene: COL3A1 (collagen type III alpha 1 chain; plus strand). Cytogenetic location: 2q32.2.
Variant type: single nucleotide variant.
Coding change: c.691-15T>C on transcript NM_000090.4 (MANE Select); 15 bases into the intron before coding-DNA position 691, T replaced by C.
Molecular consequence: intron variant.
Genome position (GRCh38, 1-based): chr2:188,990,081, T>C. VCF-style: chr2-188990081-T-C. GRCh37 (hg19) VCF-style: chr2-189854807-T-C.
Identifiers: ClinVar variation 2895288 (VCV002895288.5), dbSNP rs756363441, ClinGen allele CA076795.